The following is an entry in ClinVar:

NM_173354.5(SIK1):c.1538C>T (p.Ala513Val)

Gene: SIK1 (salt inducible kinase 1; minus strand). Cytogenetic location: 21q22.3.
Variant type: single nucleotide variant.
Coding change: c.1538C>T on transcript NM_173354.5 (MANE Select); coding-DNA position 1538, C replaced by T.
Protein change: p.Ala513Val; replaces alanine 513 with valine.
Molecular consequence: missense variant.
Genome position (GRCh38, 1-based): chr21:43,418,466, G>A on the plus strand (C>T on the coding strand, the complement: SIK1 is on the minus strand). VCF-style: chr21-43418466-G-A. GRCh37 (hg19) VCF-style: chr21-44838346-G-A.
Other names: short protein forms A513V.
Identifiers: ClinVar variation 570345 (VCV000570345.16), dbSNP rs200402559, ClinGen allele CA321325468.
Genomic context (GRCh38, chr21:43,418,466, plus strand): 5'-CAGGCGCCCAGCAGCCCCTGAGTGGCCGGGGTGCCACTGAGCCCCGCGGGGCTTTTGCTC[G>A]CAGAGAAGGTCAGACAACTGTCAGAGCTGGTTCCCTCTGCAGGACTTGCCGTGGTGGAGG-3'
Protein context (NP_775490.2, residues 503-523): TSSDSCLTFS[Ala513Val]SKSPAGLSGT

ClinVar aggregate classification (germline): Conflicting classifications of pathogenicity. Review status: criteria provided, conflicting classifications (1 of 4 stars). 3 submissions from 3 submitters: Uncertain significance (1); Likely benign (2). Last evaluated 2026-01-18.

Conditions:
Developmental and epileptic encephalopathy, 30 (DEE30). Also called: Epileptic encephalopathy, early infantile, 30. Identifiers: MedGen C4225360, MONDO:0014595, OMIM 616341.

Allele frequency attached by ClinVar (database versions not stated): TOPMed 0.00017.

Submissions (3):

Labcorp Genetics (formerly Invitae), Labcorp
Classification: Likely benign for Developmental and epileptic encephalopathy, 30. Last evaluated: 2026-01-18. Review status: criteria provided, single submitter. Criteria: Invitae Variant Classification Sherloc (09022015). Collection method: clinical testing. Allele origin: germline.

CeGaT Center for Human Genetics Tuebingen
Classification: Likely benign. Last evaluated: 2026-01-01. Review status: criteria provided, single submitter. Criteria: CeGaT Center For Human Genetics Tuebingen Variant Classification Criteria Version 2. Collection method: clinical testing. Allele origin: germline. Affected: yes. Observed: 1 variant allele.
Comment: SIK1: BP4, BS2

Center for Genomics, Ann and Robert H. Lurie Children's Hospital of Chicago
Classification: Uncertain significance for Developmental and epileptic encephalopathy, 30. Last evaluated: 2021-03-30. Review status: criteria provided, single submitter. Criteria: ACMG Guidelines, 2015. Collection method: clinical testing. Allele origin: germline.
Comment: SIK1 NM_173354.4 exon 12 p.Ala513Val (c.1538C>T): This variant has not been reported in the literature, but it is present in 0.2% (60/25748) of Finnish alleles in the Genome Aggregation Database. This variant amino acid, valine (Val), is present in one mammal and is not well conserved among evolutionarily distant species; this suggests that this variant may not impact the protein. Additional computational prediction tools do not suggest an impact. In summary, data on this variant are insufficient for disease classification. Therefore, the clinical significance of this variant is uncertain.